The following is an entry in ClinVar:

ClinVar aggregate classification (germline): Uncertain significance (1 of 4 stars; one submission).

Conditions:
Intellectual developmental disorder, autosomal dominant 1. Also called: Intellectual disability, autosomal dominant 1; MBD5 Haploinsufficiency. Identifiers: Orphanet 228402, MedGen C1969562, MONDO:0007974, OMIM 156200.

gnomAD v4.1: 1 of 1,614,162 alleles (0.000062%); highest among the groups gnomAD compares: Non-Finnish European, 0.000085%; no homozygotes.

Submission:

Labcorp Genetics (formerly Invitae), Labcorp
Classification: Uncertain significance for Intellectual developmental disorder, autosomal dominant 1. Last evaluated: 2022-10-17. Review status: criteria provided, single submitter. Criteria: Invitae Variant Classification Sherloc (09022015). Collection method: clinical testing. Allele origin: germline.
Comment: ClinVar contains an entry for this variant (Variation ID: 1062046). Algorithms developed to predict the effect of missense changes on protein structure and function are either unavailable or do not agree on the potential impact of this missense change (SIFT: "Deleterious"; PolyPhen-2: "Not Available"; Align-GVGD: "Class C45"). In summary, the available evidence is currently insufficient to determine the role of this variant in disease. Therefore, it has been classified as a Variant of Uncertain Significance. This variant has not been reported in the literature in individuals affected with MBD5-related conditions. This sequence change replaces valine, which is neutral and non-polar, with phenylalanine, which is neutral and non-polar, at codon 1409 of the MBD5 protein (p.Val1409Phe). This variant is not present in population databases (gnomAD no frequency).

NM_001378120.1(MBD5):c.4924G>T (p.Val1642Phe)

Gene: MBD5 (methyl-CpG binding domain protein 5; plus strand). Cytogenetic location: 2q23.1.
Variant type: single nucleotide variant.
Coding change: c.4924G>T on transcript NM_001378120.1 (MANE Select); coding-DNA position 4924, G replaced by T.
Protein change: p.Val1642Phe; replaces valine 1642 with phenylalanine.
Molecular consequence: missense variant.
Genome position (GRCh38, 1-based): chr2:148,490,556, G>T. VCF-style: chr2-148490556-G-T. GRCh37 (hg19) VCF-style: chr2-149248125-G-T.
Other names: c.4225G>T, p.Val1409Phe (NM_018328.5); short protein forms V1409F, V1642F.
Identifiers: ClinVar variation 1062046 (VCV001062046.9), dbSNP rs770196931, ClinGen allele CA348732004.